The following is an entry in ClinVar:

NM_000642.3(AGL):c.4418C>A (p.Thr1473Asn)

Gene: AGL (amylo-alpha-1,6-glucosidase and 4-alpha-glucanotransferase; plus strand). Cytogenetic location: 1p21.2.
Variant type: single nucleotide variant.
Coding change: c.4418C>A on transcript NM_000642.3 (MANE Select); coding-DNA position 4418, C replaced by A.
Protein change: p.Thr1473Asn; replaces threonine 1473 with asparagine.
Molecular consequence: missense variant.
Genome position (GRCh38, 1-based): chr1:99,916,668, C>A. VCF-style: chr1-99916668-C-A. GRCh37 (hg19) VCF-style: chr1-100382224-C-A.
Other names: c.4079C>A, p.Thr1360Asn (NM_001425329.1); c.4040C>A, p.Thr1347Asn (NM_001425332.1); c.4418C>A, p.Thr1473Asn (NM_000028.3, NM_000643.3, NM_000644.3 and 1 more transcripts); c.4370C>A, p.Thr1457Asn (NM_000646.3); c.4397C>A, p.Thr1466Asn (NM_001425326.1); c.4217C>A, p.Thr1406Asn (NM_001425327.1); c.4214C>A, p.Thr1405Asn (NM_001425328.1); short protein forms T1473N, T1457N, T1347N, T1360N, T1405N, T1406N, T1466N.
Identifiers: ClinVar variation 2039722 (VCV002039722.4), dbSNP rs902331738, ClinGen allele CA341342543.

ClinVar aggregate classification (germline): Uncertain significance (1 of 4 stars; one submission).

Conditions:
Glycogen storage disease type III (GSD3). Also called: FORBES DISEASE; Cori disease. Identifiers: Orphanet 366, MedGen C0017922, MONDO:0009291, OMIM 232400.

Allele frequency attached by ClinVar (database versions not stated): gnomAD 0.00001; gnomAD exomes 0.00001.
gnomAD v4.1: 6 of 1,612,900 alleles (0.00037%); highest among the groups gnomAD compares: Non-Finnish European, 0.00051%; no homozygotes.

Submission:

Labcorp Genetics (formerly Invitae), Labcorp
Classification: Uncertain significance for Glycogen storage disease type III. Last evaluated: 2024-04-22. Review status: criteria provided, single submitter. Criteria: Invitae Variant Classification Sherloc (09022015). Collection method: clinical testing. Allele origin: germline.
Comment: This sequence change replaces threonine, which is neutral and polar, with asparagine, which is neutral and polar, at codon 1473 of the AGL protein (p.Thr1473Asn). This variant is not present in population databases (gnomAD no frequency). This variant has not been reported in the literature in individuals affected with AGL-related conditions. ClinVar contains an entry for this variant (Variation ID: 2039722). Advanced modeling of protein sequence and biophysical properties (such as structural, functional, and spatial information, amino acid conservation, physicochemical variation, residue mobility, and thermodynamic stability) performed at Invitae indicates that this missense variant is not expected to disrupt AGL protein function with a negative predictive value of 80%. In summary, the available evidence is currently insufficient to determine the role of this variant in disease. Therefore, it has been classified as a Variant of Uncertain Significance.